The following is an entry in ClinVar:

NM_021625.5(TRPV4):c.781G>A (p.Gly261Arg)

Gene: TRPV4 (transient receptor potential cation channel subfamily V member 4; minus strand). Cytogenetic location: 12q24.11.
Variant type: single nucleotide variant.
Coding change: c.781G>A on transcript NM_021625.5 (MANE Select); coding-DNA position 781, G replaced by A.
Protein change: p.Gly261Arg; replaces glycine 261 with arginine.
Molecular consequence: missense variant. On other transcripts: intron variant (2).
Genome position (GRCh38, 1-based): chr12:109,800,690, C>T on the plus strand (G>A on the coding strand, the complement: TRPV4 is on the minus strand). VCF-style: chr12-109800690-C-T. GRCh37 (hg19) VCF-style: chr12-110238495-C-T.
Other names: c.679G>A, p.Gly227Arg (NM_001177431.2); c.781G>A, p.Gly261Arg (NM_147204.3); c.713-1778G>A (NM_001177433.1, NM_001177428.1); short protein forms G261R, G227R.
Identifiers: ClinVar variation 2756198 (VCV002756198.4), dbSNP rs1347209848, ClinGen allele CA386655376.
Genomic context (GRCh38, chr12:109,800,690, plus strand): 5'-AGCCCCCCTCATCCTTGGGCTGGAAGAAGCGCCCACGGGCCTGGGCGTGGACATCAGCTC[C>T]CTGGGCCACGAGAAGTTCCACGTAGTGTTTGCAGCGACGCTCAATGGCGATGTGCAGGGC-3'
Protein context (NP_067638.3, residues 251-271): KHYVELLVAQ[Gly261Arg]ADVHAQARGR

ClinVar aggregate classification (germline): Uncertain significance. Review status: criteria provided, multiple submitters, no conflicts (2 of 4 stars). 2 submissions from 2 submitters: Uncertain significance (2). Last evaluated 2024-05-28.

Conditions:
Charcot-Marie-Tooth disease axonal type 2C (HMSN2C). Also called: CHARCOT-MARIE-TOOTH DISEASE, AXONAL, AUTOSOMAL DOMINANT, TYPE 2C; Charcot-Marie-Tooth Neuropathy Type 2C; Charcot-Marie-Tooth Disease Type 2, TRPV4-Related (CMT2C). Identifiers: Orphanet 99937, MedGen C1853710, MONDO:0011633, OMIM 606071.

Allele frequency attached by ClinVar (database versions not stated): TOPMed below 0.00001.

Submissions (2):

GeneDx
Classification: Uncertain significance. Last evaluated: 2024-05-28. Review status: criteria provided, single submitter. Criteria: GeneDx Variant Classification Process June 2021. Collection method: clinical testing. Allele origin: germline. Affected: yes.
Comment: Not observed at significant frequency in large population cohorts (gnomAD); In silico analysis supports that this missense variant has a deleterious effect on protein structure/function; Has not been previously published as pathogenic or benign to our knowledge

Labcorp Genetics (formerly Invitae), Labcorp
Classification: Uncertain significance for Charcot-Marie-Tooth disease axonal type 2C. Last evaluated: 2024-01-18. Review status: criteria provided, single submitter. Criteria: Invitae Variant Classification Sherloc (09022015). Collection method: clinical testing. Allele origin: germline.
Comment: This sequence change replaces glycine, which is neutral and non-polar, with arginine, which is basic and polar, at codon 261 of the TRPV4 protein (p.Gly261Arg). This variant is not present in population databases (gnomAD no frequency). This variant has not been reported in the literature in individuals affected with TRPV4-related conditions. Advanced modeling of protein sequence and biophysical properties (such as structural, functional, and spatial information, amino acid conservation, physicochemical variation, residue mobility, and thermodynamic stability) has been performed at Invitae for this missense variant, however the output from this modeling did not meet the statistical confidence thresholds required to predict the impact of this variant on TRPV4 protein function. In summary, the available evidence is currently insufficient to determine the role of this variant in disease. Therefore, it has been classified as a Variant of Uncertain Significance.